The following is an entry in ClinVar:

ClinVar aggregate classification (germline): Uncertain significance (1 of 4 stars; one submission).

gnomAD v4.1: 2 of 1,613,958 alleles (0.00012%); highest among the groups gnomAD compares: Non-Finnish European, 0.00017%; no homozygotes.

Submission:

Labcorp Genetics (formerly Invitae), Labcorp
Classification: Uncertain significance. Last evaluated: 2025-07-09. Review status: criteria provided, single submitter. Criteria: Invitae Variant Classification Sherloc (09022015). Collection method: clinical testing. Allele origin: germline.
Comment: This sequence change replaces arginine, which is basic and polar, with cysteine, which is neutral and slightly polar, at codon 52 of the NCSTN protein (p.Arg52Cys). This variant is not present in population databases (gnomAD no frequency). This variant has not been reported in the literature in individuals affected with NCSTN-related conditions. Invitae Evidence Modeling of protein sequence and biophysical properties (such as structural, functional, and spatial information, amino acid conservation, physicochemical variation, residue mobility, and thermodynamic stability) indicates that this missense variant is expected to disrupt NCSTN protein function with a positive predictive value of 80%. Algorithms developed to predict the effect of sequence changes on RNA splicing suggest that this variant may disrupt the consensus splice site. In summary, the available evidence is currently insufficient to determine the role of this variant in disease. Therefore, it has been classified as a Variant of Uncertain Significance.

NM_015331.3(NCSTN):c.154C>T (p.Arg52Cys)

Gene: NCSTN (nicastrin; plus strand). Cytogenetic location: 1q23.2.
Variant type: single nucleotide variant.
Coding change: c.154C>T on transcript NM_015331.3 (MANE Select); coding-DNA position 154, C replaced by T.
Protein change: p.Arg52Cys; replaces arginine 52 with cysteine.
Molecular consequence: missense variant.
Genome position (GRCh38, 1-based): chr1:160,344,790, C>T. VCF-style: chr1-160344790-C-T. GRCh37 (hg19) VCF-style: chr1-160314580-C-T.
Other names: c.94C>T, p.Arg32Cys (NM_001290184.2); c.154C>T, p.Arg52Cys (NM_001290186.2, NM_001349729.2); short protein forms R52C, R32C.
Identifiers: ClinVar variation 4767629 (VCV004767629.1).